The following is an entry in ClinVar:

NM_003872.3(NRP2):c.2228T>C (p.Leu743Pro)

Gene: NRP2 (neuropilin 2; plus strand). Cytogenetic location: 2q33.3.
Variant type: single nucleotide variant.
Coding change: c.2228T>C on transcript NM_003872.3 (MANE Select); coding-DNA position 2228, T replaced by C.
Protein change: p.Leu743Pro; replaces leucine 743 with proline.
Molecular consequence: missense variant.
Genome position (GRCh38, 1-based): chr2:205,763,857, T>C. VCF-style: chr2-205763857-T-C. GRCh37 (hg19) VCF-style: chr2-206628581-T-C.
Other names: c.2228T>C, p.Leu743Pro (NM_018534.4, NM_201266.2, NM_201267.2 and 1 more transcripts); short protein forms L743P.
Identifiers: ClinVar variation 4983301 (VCV004983301.1).
Genomic context (GRCh38, chr2:205,763,857, plus strand): 5'-CGGGCGGCCGCGGGGTGGCGCTGCAGGTGGTGCGGGAAGCCAGCCAGGAGAGCAAGTTGC[T>C]GTGGGTCATCCGTGAGGACCAGGGCGGCGAGTGGAAGCACGGGCGGATCATCCTGCCCAG-3'
Protein context (NP_003863.2, residues 733-753): VREASQESKL[Leu743Pro]WVIREDQGGE

ClinVar aggregate classification (germline): Uncertain significance (1 of 4 stars; one submission).

Conditions:
NRP2-related disorder. Also called: NRP2-related condition.

Submission:

PreventionGenetics, part of Exact Sciences
Classification: Uncertain significance for NRP2-related condition. Last evaluated: 2026-09-19. Review status: criteria provided, single submitter. Criteria: ACMG Guidelines, 2015. Collection method: clinical testing. Allele origin: germline.
Comment: The NRP2 c.2228T>C variant is predicted to result in the amino acid substitution p.Leu743Pro. To our knowledge, this variant has not been reported in the literature or in a large population database (gnomAD), indicating this variant is rare. At this time, the clinical significance of this variant is uncertain due to the absence of conclusive functional and genetic evidence.